The following is an entry in ClinVar:

NM_031433.4(MFRP):c.670C>T (p.Leu224Phe)

Genes: C1QTNF5 (C1q and TNF related 5; minus strand), MFRP (membrane frizzled-related protein; minus strand). Cytogenetic location: 11q23.3.
Variant type: single nucleotide variant.
Coding change: c.670C>T on transcript NM_031433.4 (MANE Select); coding-DNA position 670, C replaced by T.
Protein change: p.Leu224Phe; replaces leucine 224 with phenylalanine.
Molecular consequence: missense variant. On other transcripts: 5 prime UTR variant (1).
Genome position (GRCh38, 1-based): chr11:119,344,976, G>A on the plus strand (C>T on the coding strand, the complement: MFRP is on the minus strand). VCF-style: chr11-119344976-G-A. GRCh37 (hg19) VCF-style: chr11-119215686-G-A.
Other names: c.-1967C>T (NM_015645.5); short protein forms L224F.
Identifiers: ClinVar variation 1473819 (VCV001473819.8), dbSNP rs1383430915, ClinGen allele CA382977707.

ClinVar aggregate classification (germline): Uncertain significance (1 of 4 stars; one submission).

Conditions:
Isolated microphthalmia 5. Also called: Posterior Microphthalmia with Retinitis Pigmentosa, Foveoschisis, and Optic Disc Drusen. Identifiers: Orphanet 251279, MedGen C1970236, MONDO:0012605, OMIM 611040.

Allele frequency attached by ClinVar (database versions not stated): gnomAD 0.00001; TOPMed below 0.00001.
gnomAD v4.1: 1 of 1,607,682 alleles (0.000062%); highest among the groups gnomAD compares: Non-Finnish European, 0.000085%; no homozygotes.

Submission:

Labcorp Genetics (formerly Invitae), Labcorp
Classification: Uncertain significance for Isolated microphthalmia 5. Last evaluated: 2021-05-04. Review status: criteria provided, single submitter. Criteria: Invitae Variant Classification Sherloc (09022015). Collection method: clinical testing. Allele origin: germline.
Comment: In summary, the available evidence is currently insufficient to determine the role of this variant in disease. Therefore, it has been classified as a Variant of Uncertain Significance. Algorithms developed to predict the effect of missense changes on protein structure and function output the following: SIFT: "Tolerated"; PolyPhen-2: "Benign"; Align-GVGD: "Class C0". The phenylalanine amino acid residue is found in multiple mammalian species, suggesting that this missense change does not adversely affect protein function. These predictions have not been confirmed by published functional studies and their clinical significance is uncertain. This variant has not been reported in the literature in individuals with MFRP-related conditions. This variant is not present in population databases (ExAC no frequency). This sequence change replaces leucine with phenylalanine at codon 224 of the MFRP protein (p.Leu224Phe). The leucine residue is moderately conserved and there is a small physicochemical difference between leucine and phenylalanine.